The following is an entry in ClinVar:

ClinVar aggregate classification (germline): Uncertain significance (1 of 4 stars; one submission).

gnomAD v4.1: 5 of 1,614,136 alleles (0.00031%); highest among the groups gnomAD compares: Admixed American, 0.0033%; no homozygotes.

Submission:

Labcorp Genetics (formerly Invitae), Labcorp
Classification: Uncertain significance. Last evaluated: 2022-11-15. Review status: criteria provided, single submitter. Criteria: Invitae Variant Classification Sherloc (09022015). Collection method: clinical testing. Allele origin: germline.
Comment: In summary, the available evidence is currently insufficient to determine the role of this variant in disease. Therefore, it has been classified as a Variant of Uncertain Significance. Algorithms developed to predict the effect of missense changes on protein structure and function (SIFT, PolyPhen-2, Align-GVGD) all suggest that this variant is likely to be tolerated. This variant has not been reported in the literature in individuals affected with PLOD3-related conditions. This variant is present in population databases (no rsID available, gnomAD 0.003%). This sequence change replaces valine, which is neutral and non-polar, with isoleucine, which is neutral and non-polar, at codon 90 of the PLOD3 protein (p.Val90Ile).

NM_001084.5(PLOD3):c.268G>A (p.Val90Ile)

Gene: PLOD3 (procollagen-lysine,2-oxoglutarate 5-dioxygenase 3; minus strand). Cytogenetic location: 7q22.1.
Variant type: single nucleotide variant.
Coding change: c.268G>A on transcript NM_001084.5 (MANE Select); coding-DNA position 268, G replaced by A.
Protein change: p.Val90Ile; replaces valine 90 with isoleucine.
Molecular consequence: missense variant.
Genome position (GRCh38, 1-based): chr7:101,216,480, C>T on the plus strand (G>A on the coding strand, the complement: PLOD3 is on the minus strand). VCF-style: chr7-101216480-C-T. GRCh37 (hg19) VCF-style: chr7-100859761-C-T.
Other names: short protein forms V90I.
Identifiers: ClinVar variation 2074402 (VCV002074402.4), dbSNP rs1192783718, ClinGen allele CA368626399.